The following is an entry in ClinVar:

NM_017654.4(SAMD9):c.77A>G (p.His26Arg)

Gene: SAMD9 (sterile alpha motif domain containing 9; minus strand). Cytogenetic location: 7q21.2.
Variant type: single nucleotide variant.
Coding change: c.77A>G on transcript NM_017654.4 (MANE Select); coding-DNA position 77, A replaced by G.
Protein change: p.His26Arg; replaces histidine 26 with arginine.
Molecular consequence: missense variant.
Genome position (GRCh38, 1-based): chr7:93,106,021, T>C on the plus strand (A>G on the coding strand, the complement: SAMD9 is on the minus strand). VCF-style: chr7-93106021-T-C. GRCh37 (hg19) VCF-style: chr7-92735334-T-C.
Other names: c.77A>G, p.His26Arg (NM_001193307.2); c.77A>G (NM_017654.3); short protein forms H26R.
Identifiers: ClinVar variation 2419040 (VCV002419040.6), dbSNP rs148110610, ClinGen allele CA4343225.
Genomic context (GRCh38, chr7:93,106,021, plus strand): 5'-AAGACTGCTCCATTCACGTCTTGTTCAGTCAAAATTTCCCTGTGTTTTTGGTCAATCTTA[T>C]GACTTTCTAACCACTGATTTACATCCTCTTTTGTCCAATCATCTGTATTTTCTGGAAGGT-3'
Protein context (NP_060124.2, residues 16-36): KEDVNQWLES[His26Arg]KIDQKHREIL

ClinVar aggregate classification (germline): Uncertain significance. Review status: criteria provided, multiple submitters, no conflicts (2 of 4 stars). 2 submissions from 2 submitters: Uncertain significance (2). Last evaluated 2024-11-22.

Conditions:
Inborn genetic diseases. Identifiers: MedGen C0950123, MeSH D030342.

Allele frequency attached by ClinVar (database versions not stated): gnomAD exomes 0.00001; ExAC 0.00005; gnomAD 0.00005; TOPMed 0.00005; ESP Exome Variant Server 0.00008.

Submissions (2):

Ambry Genetics
Classification: Uncertain significance for Inborn genetic diseases. Last evaluated: 2024-11-22. Review status: criteria provided, single submitter. Criteria: Ambry Variant Classification Scheme 2023. Collection method: clinical testing. Allele origin: germline.
Comment: The p.H26R variant (also known as c.77A>G), located in coding exon 1 of the SAMD9 gene, results from an A to G substitution at nucleotide position 77. The histidine at codon 26 is replaced by arginine, an amino acid with highly similar properties. This amino acid position is conserved. In addition, this alteration is predicted to be tolerated by in silico analysis. Based on the available evidence, the clinical significance of this variant remains unclear.

Labcorp Genetics (formerly Invitae), Labcorp
Classification: Uncertain significance. Last evaluated: 2024-10-06. Review status: criteria provided, single submitter. Criteria: Invitae Variant Classification Sherloc (09022015). Collection method: clinical testing. Allele origin: germline.
Comment: This sequence change replaces histidine, which is basic and polar, with arginine, which is basic and polar, at codon 26 of the SAMD9 protein (p.His26Arg). This variant is present in population databases (rs148110610, gnomAD 0.05%). This variant has not been reported in the literature in individuals affected with SAMD9-related conditions. ClinVar contains an entry for this variant (Variation ID: 2419040). Invitae Evidence Modeling of protein sequence and biophysical properties (such as structural, functional, and spatial information, amino acid conservation, physicochemical variation, residue mobility, and thermodynamic stability) indicates that this missense variant is not expected to disrupt SAMD9 protein function with a negative predictive value of 95%. In summary, the available evidence is currently insufficient to determine the role of this variant in disease. Therefore, it has been classified as a Variant of Uncertain Significance.